The following is an entry in ClinVar:

NC_000011.10:g.117797257C>T

Gene: DSCAML1 (DS cell adhesion molecule like 1; minus strand). Cytogenetic location: 11q23.3.
Variant type: single nucleotide variant.
Molecular consequence: intron variant (on NM_001367905.1).
Genome position: GRCh38 VCF-style: chr11-117797257-C-T. GRCh37 (hg19) VCF-style: chr11-117667972-C-T.
Other names: c.-362-16447G>A (NM_001367905.1).
Identifiers: ClinVar variation 2140548 (VCV002140548.2), dbSNP rs1026848415, ClinGen allele CA229418506.

ClinVar aggregate classification (germline): Uncertain significance (1 of 4 stars; one submission).

Allele frequency attached by ClinVar (database versions not stated): gnomAD exomes 0.00004; gnomAD 0.00007.
gnomAD v4.1: 65 of 1,431,426 alleles (0.0045%); highest among the groups gnomAD compares: Middle Eastern, 0.046%; no homozygotes.

Submission:

Labcorp Genetics (formerly Invitae), Labcorp
Classification: Uncertain significance. Last evaluated: 2025-02-27. Review status: criteria provided, single submitter. Criteria: Invitae Variant Classification Sherloc (09022015). Collection method: clinical testing. Allele origin: germline.
Comment: This sequence change affects the initiator methionine of the DSCAML1 mRNA. The next in-frame methionine is located at codon 61. This variant is present in population databases (no rsID available, gnomAD 0.01%). This variant has not been reported in the literature in individuals affected with DSCAML1-related conditions. ClinVar contains an entry for this variant (Variation ID: 2140548). Experimental studies and prediction algorithms are not available or were not evaluated, and the functional significance of this variant is currently unknown. In summary, the available evidence is currently insufficient to determine the role of this variant in disease. Therefore, it has been classified as a Variant of Uncertain Significance.